The following is an entry in ClinVar:

NM_014915.3(ANKRD26):c.2101C>A (p.Pro701Thr)

Gene: ANKRD26 (ankyrin repeat domain 26; minus strand). Cytogenetic location: 10p12.1.
Variant type: single nucleotide variant.
Coding change: c.2101C>A on transcript NM_014915.3 (MANE Select); coding-DNA position 2101, C replaced by A.
Protein change: p.Pro701Thr; replaces proline 701 with threonine.
Molecular consequence: missense variant.
Genome position (GRCh38, 1-based): chr10:27,043,486, G>T on the plus strand (C>A on the coding strand, the complement: ANKRD26 is on the minus strand). VCF-style: chr10-27043486-G-T. GRCh37 (hg19) VCF-style: chr10-27332415-G-T.
Other names: c.2098C>A, p.Pro700Thr (NM_001256053.2); short protein forms P700T, P701T.
Identifiers: ClinVar variation 3625449 (VCV003625449.3).

ClinVar aggregate classification (germline): Uncertain significance. Review status: criteria provided, multiple submitters, no conflicts (2 of 4 stars). 2 submissions from 2 submitters: Uncertain significance (2). Last evaluated 2024-12-26.

Conditions:
Inborn genetic diseases. Identifiers: MedGen C0950123, MeSH D030342.

gnomAD v4.1: 1 of 1,613,948 alleles (0.000062%); highest among the groups gnomAD compares: African/African-American, 0.0013%; no homozygotes.

Submissions (2):

Ambry Genetics
Classification: Uncertain significance for Inborn genetic diseases. Last evaluated: 2024-12-26. Review status: criteria provided, single submitter. Criteria: Ambry Variant Classification Scheme 2023. Collection method: clinical testing. Allele origin: germline.
Comment: The p.P701T variant (also known as c.2101C>A), located in coding exon 20 of the ANKRD26 gene, results from a C to A substitution at nucleotide position 2101. The proline at codon 701 is replaced by threonine, an amino acid with highly similar properties. This amino acid position is conserved. In addition, this alteration is predicted to be tolerated by in silico analysis. Based on the available evidence, the clinical significance of this variant remains unclear.

Labcorp Genetics (formerly Invitae), Labcorp
Classification: Uncertain significance. Last evaluated: 2024-12-10. Review status: criteria provided, single submitter. Criteria: Invitae Variant Classification Sherloc (09022015). Collection method: clinical testing. Allele origin: germline.
Comment: This sequence change replaces proline, which is neutral and non-polar, with threonine, which is neutral and polar, at codon 701 of the ANKRD26 protein (p.Pro701Thr). This variant is not present in population databases (gnomAD no frequency). This variant has not been reported in the literature in individuals affected with ANKRD26-related conditions. An algorithm developed to predict the effect of missense changes on protein structure and function (PolyPhen-2) suggests that this variant is likely to be tolerated. In summary, the available evidence is currently insufficient to determine the role of this variant in disease. Therefore, it has been classified as a Variant of Uncertain Significance.